The following is an entry in ClinVar:

NM_000516.7(GNAS):c.949C>T (p.Arg317Cys)

Gene: GNAS (GNAS complex locus; plus strand). Cytogenetic location: 20q13.32.
Variant type: single nucleotide variant.
Coding change: c.949C>T on transcript NM_000516.7 (MANE Select); coding-DNA position 949, C replaced by T.
Protein change: p.Arg317Cys; replaces arginine 317 with cysteine.
Molecular consequence: missense variant. On other transcripts: 3 prime UTR variant (2).
Genome position (GRCh38, 1-based): chr20:58,910,060, C>T. VCF-style: chr20-58910060-C-T. GRCh37 (hg19) VCF-style: chr20-57485115-C-T.
Other names: c.952C>T, p.Arg318Cys (NM_001077488.5); c.904C>T, p.Arg302Cys (NM_001077489.4); c.*810C>T (NM_001077490.3); c.772C>T, p.Arg258Cys (NM_001309840.2, NM_001309861.2, NM_001438276.1 and 1 more transcripts); c.853C>T, p.Arg285Cys (NM_001410912.1); c.2833C>T, p.Arg945Cys (NM_001410913.1); c.727C>T, p.Arg243Cys (NM_001438273.1, NM_001438274.1, NM_001438275.1); c.*855C>T (NM_016592.5); and 2 more; short protein forms R243C, R258C, R318C, R303C, R945C, R285C, R960C, R302C.
Identifiers: ClinVar variation 4980099 (VCV004980099.1).

ClinVar aggregate classification (germline): Uncertain significance (1 of 4 stars; one submission).

Conditions:
GNAS-related disorder. Identifiers: MedGen CN380105.

gnomAD v4.1: 8 of 1,613,570 alleles (0.0005%); highest among the groups gnomAD compares: South Asian, 0.0055%; no homozygotes.

Submission:

PreventionGenetics, part of Exact Sciences
Classification: Uncertain significance for GNAS-related condition. Last evaluated: 2026-05-12. Review status: criteria provided, single submitter. Criteria: ACMG Guidelines, 2015. Collection method: clinical testing. Allele origin: germline.
Comment: The GNAS c.949C>T variant is predicted to result in the amino acid substitution p.Arg317Cys. This variant was previously reported in a large cohort of individuals with primary ovarian insufficiency (supplementary data, reported as p.Arg960Cys in Heddar et al. 2022. PubMed ID: 36099812). This variant is reported in 0.0065% of alleles in individuals of South Asian descent in gnomAD. At this time, the clinical significance of this variant is uncertain due to the absence of conclusive functional and genetic evidence.